The following is an entry in ClinVar:

ClinVar aggregate classification (germline): Uncertain significance. Review status: criteria provided, multiple submitters, no conflicts (2 of 4 stars). 4 submissions from 4 submitters: Uncertain significance (4). Last evaluated 2025-08-04.

Conditions:
Catecholaminergic polymorphic ventricular tachycardia 1. Also called: VENTRICULAR TACHYCARDIA, CATECHOLAMINERGIC POLYMORPHIC, 1, WITH OR WITHOUT ATRIAL DYSFUNCTION AND/OR DILATED CARDIOMYOPATHY; VENTRICULAR TACHYCARDIA, STRESS-INDUCED POLYMORPHIC 1; RYR2-Related Catecholaminergic Polymorphic Ventricular Tachycardia. Identifiers: Orphanet 3286, MedGen C1631597, MONDO:0011484, OMIM 604772.
Catecholaminergic polymorphic ventricular tachycardia (CVPT). Also called: Catecholamine-induced polymorphic ventricular tachycardia. Identifiers: Orphanet 3286, MedGen C5574922, MONDO:0017990.
Cardiomyopathy (CMYO). Also called: Cardiomyopathies. Identifiers: Orphanet 167848, MedGen C0878544, MONDO:0004994, HP:0001638. Inheritance: Various modes of inheritance.

Allele frequency attached by ClinVar (database versions not stated): gnomAD 0.00001; TOPMed 0.00001.
gnomAD v4.1: 5 of 1,598,350 alleles (0.00031%); highest among the groups gnomAD compares: Admixed American, 0.0035%; no homozygotes.

Submissions (4):

Labcorp Genetics (formerly Invitae), Labcorp
Classification: Uncertain significance for Catecholaminergic polymorphic ventricular tachycardia 1. Last evaluated: 2025-08-04. Review status: criteria provided, single submitter. Criteria: Invitae Variant Classification Sherloc (09022015). Collection method: clinical testing. Allele origin: germline.
Comment: This sequence change replaces glutamine, which is neutral and polar, with proline, which is neutral and non-polar, at codon 32 of the RYR2 protein (p.Gln32Pro). This variant is not present in population databases (gnomAD no frequency). This variant has not been reported in the literature in individuals affected with RYR2-related conditions. ClinVar contains an entry for this variant (Variation ID: 926726). Invitae Evidence Modeling of protein sequence and biophysical properties (such as structural, functional, and spatial information, amino acid conservation, physicochemical variation, residue mobility, and thermodynamic stability) indicates that this missense variant is expected to disrupt RYR2 protein function with a positive predictive value of 95%. In summary, the available evidence is currently insufficient to determine the role of this variant in disease. Therefore, it has been classified as a Variant of Uncertain Significance.

GeneDx
Classification: Uncertain significance. Last evaluated: 2024-05-15. Review status: criteria provided, single submitter. Criteria: GeneDx Variant Classification Process June 2021. Collection method: clinical testing. Allele origin: germline. Affected: yes.
Comment: Not observed at significant frequency in large population cohorts (gnomAD); In silico analysis supports that this missense variant has a deleterious effect on protein structure/function; Has not been previously published as pathogenic or benign to our knowledge

Color Diagnostics, LLC DBA Color Health
Classification: Uncertain significance for Cardiomyopathy. Last evaluated: 2024-03-06. Review status: criteria provided, single submitter. Criteria: ACMG Guidelines, 2015. Collection method: clinical testing. Allele origin: germline.
Comment: This missense variant replaces glutamine with proline at codon 32 of the RYR2 protein. Computational prediction is inconclusive regarding the impact of this variant on protein structure and function (internally defined REVEL score threshold 0.5 < inconclusive < 0.7, PMID: 27666373). To our knowledge, functional studies have not been reported for this variant. This variant has not been reported in individuals affected with RYR2-related disorders in the literature. This variant has not been identified in the general population by the Genome Aggregation Database (gnomAD). The available evidence is insufficient to determine the role of this variant in disease conclusively. Therefore, this variant is classified as a Variant of Uncertain Significance.

All of Us Research Program, National Institutes of Health
Classification: Uncertain significance for Catecholaminergic polymorphic ventricular tachycardia. Last evaluated: 2023-05-04. Review status: criteria provided, single submitter. Criteria: ACMG Guidelines, 2015. Collection method: clinical testing. Allele origin: germline. Inheritance: Autosomal dominant inheritance. Observed: 1 variant allele, 1 heterozygote.
Comment: Variant of Uncertain Significance due to insufficient evidence: This missense variant replaces glutamine with proline at codon 32 of the RYR2 protein. Computational prediction tools and conservation analyses suggest that this variant may have deleterious impact on the protein function. Computational splicing tools suggest that this variant may not impact RNA splicing. To our knowledge, functional assays have not been performed for this variant nor has this variant been reported in individuals affected with cardiovascular disorders in the literature. This variant is rare in the general population and has been identified in 0/277264 chromosomes by the Genome Aggregation Database (gnomAD). Available evidence is insufficient to determine the role of this variant in disease conclusively.

This study involves interpretation of variants in research participants for the purpose of population health screening. Participant phenotype was not available at the time of variant classification. Additional details can be found in publication PMID: 35346344, PMCID: PMC8962531

NM_001035.3(RYR2):c.95A>C (p.Gln32Pro)

Gene: RYR2 (ryanodine receptor 2; plus strand). Cytogenetic location: 1q43.
Variant type: single nucleotide variant.
Coding change: c.95A>C on transcript NM_001035.3 (MANE Select); coding-DNA position 95, A replaced by C.
Protein change: p.Gln32Pro; replaces glutamine 32 with proline.
Molecular consequence: missense variant.
Genome position (GRCh38, 1-based): chr1:237,270,543, A>C. VCF-style: chr1-237270543-A-C. GRCh37 (hg19) VCF-style: chr1-237433843-A-C.
Other names: c.95A>C (NM_001035.2); short protein forms Q32P.
Identifiers: ClinVar variation 926726 (VCV000926726.15), dbSNP rs909314611, ClinGen allele CA39988656.